The following is an entry in ClinVar:

NM_001134407.3(GRIN2A):c.1652-14C>G

Gene: GRIN2A (glutamate ionotropic receptor NMDA type subunit 2A; minus strand). Cytogenetic location: 16p13.2.
Variant type: single nucleotide variant.
Coding change: c.1652-14C>G on transcript NM_001134407.3 (MANE Select); 14 bases into the intron before coding-DNA position 1652, C replaced by G.
Molecular consequence: intron variant.
Genome position (GRCh38, 1-based): chr16:9,834,244, G>C on the plus strand (C>G on the coding strand, the complement: GRIN2A is on the minus strand). VCF-style: chr16-9834244-G-C. GRCh37 (hg19) VCF-style: chr16-9928101-G-C.
Other names: c.1652-14C>G (NM_001134408.2, NM_000833.5).
Identifiers: ClinVar variation 377938 (VCV000377938.10), dbSNP rs375922984, ClinGen allele CA7896654.
Genomic context (GRCh38, chr16:9,834,244, plus strand): 5'-GAGCAGCATCACAAACATCATCACCCAGACAGAGGCGCTGAATGGTTCTGCAAATAAACA[G>C]ATAAAGGAATGGAAACGTGGTTAGTTATCTCTTCCTCACTTCCAGCAGGAAGCCCAGACA-3'

ClinVar aggregate classification (germline): Benign/Likely benign. Review status: criteria provided, multiple submitters, no conflicts (2 of 4 stars). 3 submissions from 3 submitters: Benign (1); Likely benign (2). Last evaluated 2025-10-10.

Conditions:
Landau-Kleffner syndrome (FESD). Also called: EPILEPSY, FOCAL, WITH SPEECH DISORDER AND WITH OR WITHOUT MENTAL RETARDATION; APHASIA, ACQUIRED, WITH EPILEPSY. Identifiers: Orphanet 1945, Orphanet 725, Orphanet 98818, MedGen C0282512, MONDO:0009509, OMIM 245570.

Allele frequency attached by ClinVar (database versions not stated): gnomAD exomes 0.00001 and 0.00003; ExAC 0.00004; 1000 Genomes Project 30x 0.00031; TOPMed 0.00009; ESP Exome Variant Server 0.00015; gnomAD 0.00009 and 0.00010; 1000 Genomes Project 0.00040.
gnomAD v4.1: 31 of 1,613,734 alleles (0.0019%); highest among the groups gnomAD compares: African/African-American, 0.039%; no homozygotes.

Submissions (3):

Labcorp Genetics (formerly Invitae), Labcorp
Classification: Likely benign for Landau-Kleffner syndrome. Last evaluated: 2025-10-10. Review status: criteria provided, single submitter. Criteria: Invitae Variant Classification Sherloc (09022015). Collection method: clinical testing. Allele origin: germline.

Blueprint Genetics
Classification: Likely benign. Last evaluated: 2024-09-16. Review status: criteria provided, single submitter. Criteria: ACMG Guidelines, 2015. Collection method: clinical testing. Allele origin: germline.

GeneDx
Classification: Benign. Last evaluated: 2015-05-19. Review status: criteria provided, single submitter. Criteria: GeneDx Variant Classification (06012015). Collection method: clinical testing. Allele origin: germline. Affected: yes.
Comment: This variant is considered likely benign or benign based on one or more of the following criteria: it is a conservative change, it occurs at a poorly conserved position in the protein, it is predicted to be benign by multiple in silico algorithms, and/or has population frequency not consistent with disease.